The following is an entry in ClinVar:

ClinVar aggregate classification (germline): Uncertain significance (1 of 4 stars; one submission).

Submission:

Labcorp Genetics (formerly Invitae), Labcorp
Classification: Uncertain significance. Last evaluated: 2025-06-24. Review status: criteria provided, single submitter. Criteria: Invitae Variant Classification Sherloc (09022015). Collection method: clinical testing. Allele origin: germline.
Comment: This sequence change replaces arginine, which is basic and polar, with glutamine, which is neutral and polar, at codon 231 of the FGF23 protein (p.Arg231Gln). This variant is not present in population databases (gnomAD no frequency). This variant has not been reported in the literature in individuals affected with FGF23-related conditions. Invitae Evidence Modeling of protein sequence and biophysical properties (such as structural, functional, and spatial information, amino acid conservation, physicochemical variation, residue mobility, and thermodynamic stability) has been performed for this missense variant. However, the output from this modeling did not meet the statistical confidence thresholds required to predict the impact of this variant on FGF23 protein function. In summary, the available evidence is currently insufficient to determine the role of this variant in disease. Therefore, it has been classified as a Variant of Uncertain Significance.

NM_020638.3(FGF23):c.692G>A (p.Arg231Gln)

Gene: FGF23 (fibroblast growth factor 23; minus strand). Cytogenetic location: 12p13.32.
Variant type: single nucleotide variant.
Coding change: c.692G>A on transcript NM_020638.3 (MANE Select); coding-DNA position 692, G replaced by A.
Protein change: p.Arg231Gln; replaces arginine 231 with glutamine.
Molecular consequence: missense variant.
Genome position (GRCh38, 1-based): chr12:4,370,407, C>T on the plus strand (G>A on the coding strand, the complement: FGF23 is on the minus strand). VCF-style: chr12-4370407-C-T. GRCh37 (hg19) VCF-style: chr12-4479573-C-T.
Other names: short protein forms R231Q.
Identifiers: ClinVar variation 4768557 (VCV004768557.1).